The following is an entry in ClinVar:

ClinVar aggregate classification (germline): Conflicting classifications of pathogenicity. Review status: criteria provided, conflicting classifications (1 of 4 stars). 5 submissions from 5 submitters: Uncertain significance (1); Likely benign (3). 1 of the submissions does not count toward it. Last evaluated 2026-03-30.

Conditions:
DNAH5-related disorder. Also called: DNAH5-related condition.
Primary ciliary dyskinesia. Also called: Ciliary dyskinesia. Identifiers: Orphanet 244, MedGen C0008780, MONDO:0016575, HP:0012265.
Primary ciliary dyskinesia 3. Identifiers: Orphanet 244, MedGen C1837618, MONDO:0012085, OMIM 608644.

Allele frequency attached by ClinVar (database versions not stated): ExAC 0.00004; ESP Exome Variant Server 0.00008; gnomAD exomes 0.00008 and 0.00019; gnomAD 0.00010 and 0.00011; TOPMed 0.00011.

Submissions (5):

Ambry Genetics
Classification: Likely benign for Primary ciliary dyskinesia. Last evaluated: 2026-03-30. Review status: criteria provided, single submitter. Criteria: Ambry Variant Classification Scheme 2023. Collection method: clinical testing. Allele origin: germline.

Labcorp Genetics (formerly Invitae), Labcorp
Classification: Likely benign for Primary ciliary dyskinesia. Last evaluated: 2025-09-20. Review status: criteria provided, single submitter. Criteria: Invitae Variant Classification Sherloc (09022015). Collection method: clinical testing. Allele origin: germline.

Blueprint Genetics
Classification: Likely benign. Last evaluated: 2024-10-25. Review status: criteria provided, single submitter. Criteria: ACMG Guidelines, 2015. Collection method: clinical testing. Allele origin: germline.

Illumina Laboratory Services, Illumina
Classification: Uncertain significance for Primary ciliary dyskinesia 3. Last evaluated: 2018-01-13. Review status: criteria provided, single submitter. Criteria: ICSL Variant Classification Criteria 13 December 2019. Collection method: clinical testing. Allele origin: germline.

PreventionGenetics, part of Exact Sciences
Classification: Likely benign for DNAH5-related condition. Last evaluated: 2022-06-23. Review status: no assertion criteria provided. Collection method: clinical testing. Allele origin: germline. Not counted in ClinVar's aggregate classification.
Comment: This variant is classified as likely benign based on ACMG/AMP sequence variant interpretation guidelines (Richards et al. 2015 PMID: 25741868, with internal and published modifications).

NM_001369.3(DNAH5):c.12546G>A (p.Lys4182=)

Gene: DNAH5 (dynein axonemal heavy chain 5; minus strand). Cytogenetic location: 5p15.2.
Variant type: single nucleotide variant.
Coding change: c.12546G>A on transcript NM_001369.3 (MANE Select); coding-DNA position 12546, G replaced by A.
Protein change: p.Lys4182=; no amino-acid change (lysine 4182 retained).
Molecular consequence: synonymous variant.
Genome position (GRCh38, 1-based): chr5:13,717,474, C>T on the plus strand (G>A on the coding strand, the complement: DNAH5 is on the minus strand). VCF-style: chr5-13717474-C-T. GRCh37 (hg19) VCF-style: chr5-13717583-C-T.
Identifiers: ClinVar variation 351015 (VCV000351015.18), dbSNP rs146330391, ClinGen allele CA3201598.